The following is an entry in ClinVar:

ClinVar aggregate classification (germline): Likely pathogenic (1 of 4 stars; one submission).

Conditions:
Early-infantile DEE. Also called: Early infantile epileptic encephalopathy; Ohtahara syndrome; Early infantile epileptic encephalopathy with suppression bursts. Identifiers: Orphanet 1934, MedGen C0393706, MONDO:0800491.

Submission:

Labcorp Genetics (formerly Invitae), Labcorp
Classification: Likely pathogenic for Early-infantile DEE. Last evaluated: 2022-07-26. Review status: criteria provided, single submitter. Criteria: Invitae Variant Classification Sherloc (09022015). Collection method: clinical testing. Allele origin: germline.
Comment: In summary, the currently available evidence indicates that the variant is pathogenic, but additional data are needed to prove that conclusively. Therefore, this variant has been classified as Likely Pathogenic. Algorithms developed to predict the effect of missense changes on protein structure and function are either unavailable or do not agree on the potential impact of this missense change (SIFT: "Deleterious"; PolyPhen-2: "Possibly Damaging"; Align-GVGD: "Class C0"). ClinVar contains an entry for this variant (Variation ID: 1514484). This missense change has been observed in individual(s) with clinical features of SCN8A-related conditions (Invitae). In at least one individual the variant was observed to be de novo. This variant is not present in population databases (gnomAD no frequency). This sequence change replaces asparagine, which is neutral and polar, with lysine, which is basic and polar, at codon 276 of the SCN8A protein (p.Asn276Lys).

NM_001330260.2(SCN8A):c.828C>A (p.Asn276Lys)

Gene: SCN8A (sodium voltage-gated channel alpha subunit 8; plus strand). Cytogenetic location: 12q13.13.
Variant type: single nucleotide variant.
Coding change: c.828C>A on transcript NM_001330260.2 (MANE Select); coding-DNA position 828, C replaced by A.
Protein change: p.Asn276Lys; replaces asparagine 276 with lysine.
Molecular consequence: missense variant.
Genome position (GRCh38, 1-based): chr12:51,699,691, C>A. VCF-style: chr12-51699691-C-A. GRCh37 (hg19) VCF-style: chr12-52093475-C-A.
Other names: c.828C>A, p.Asn276Lys (NM_001177984.3, NM_001369788.1, NM_014191.4); short protein forms N276K.
Identifiers: ClinVar variation 1514484 (VCV001514484.9), dbSNP rs2138735794, ClinGen allele CA385226610.